The following is an entry in ClinVar:

ClinVar aggregate classification (germline): Likely benign. Review status: criteria provided, multiple submitters, no conflicts (2 of 4 stars). 5 submissions from 5 submitters: Likely benign (4). 1 of the submissions does not count toward it. Last evaluated 2026-07-01.

Conditions:
Inborn genetic diseases. Identifiers: MedGen C0950123, MeSH D030342.
Fanconi anemia (FA). Also called: Fanconi's anemia. Identifiers: Orphanet 84, MedGen C0015625, MeSH D005199, MONDO:0019391.

gnomAD v4.1: 9 of 1,526,130 alleles (0.00059%); highest among the groups gnomAD compares: Admixed American, 0.016%; no homozygotes.

Submissions (5):

CeGaT Center for Human Genetics Tuebingen
Classification: Likely benign. Last evaluated: 2026-07-01. Review status: criteria provided, single submitter. Criteria: CeGaT Center For Human Genetics Tuebingen Variant Classification Criteria Version 2. Collection method: clinical testing. Allele origin: germline. Affected: yes. Observed: 2 variant alleles.
Comment: FANCA: BP4, BP7

Labcorp Genetics (formerly Invitae), Labcorp
Classification: Likely benign for Fanconi anemia. Last evaluated: 2025-12-13. Review status: criteria provided, single submitter. Criteria: Invitae Variant Classification Sherloc (09022015). Collection method: clinical testing. Allele origin: germline.

Ambry Genetics
Classification: Likely benign for Inborn genetic diseases. Last evaluated: 2024-10-02. Review status: criteria provided, single submitter. Criteria: Ambry Variant Classification Scheme 2023. Collection method: clinical testing. Allele origin: germline.

Blueprint Genetics
Classification: Likely benign. Last evaluated: 2021-12-16. Review status: criteria provided, single submitter. Criteria: ACMG Guidelines, 2015. Collection method: clinical testing. Allele origin: germline.

Natera, Inc.
Classification: Likely benign for Fanconi anemia. Last evaluated: 2020-03-09. Review status: no assertion criteria provided. Collection method: clinical testing. Allele origin: germline. Not counted in ClinVar's aggregate classification.

NM_000135.4(FANCA):c.12G>T (p.Ser4=)

Genes: FANCA (FA complementation group A; minus strand), LOC112486223 (Sharpr-MPRA regulatory region 3988; plus strand). Cytogenetic location: 16q24.3.
Variant type: single nucleotide variant.
Coding change: c.12G>T on transcript NM_000135.4 (MANE Select); coding-DNA position 12, G replaced by T.
Protein change: p.Ser4=; no amino-acid change (serine 4 retained).
Molecular consequence: synonymous variant.
Genome position (GRCh38, 1-based): chr16:89,816,604, C>A on the plus strand (G>T on the coding strand, the complement: FANCA is on the minus strand). VCF-style: chr16-89816604-C-A. GRCh37 (hg19) VCF-style: chr16-89883012-C-A.
Other names: c.12G>T, p.Ser4= (NM_001018112.3, NM_001286167.3, NM_001351830.2).
Identifiers: ClinVar variation 699679 (VCV000699679.29), dbSNP rs1009539881, ClinGen allele CA497196901.
Genomic context (GRCh38, chr16:89,816,604, plus strand): 5'-CTCGGCCCAGGCCCTCCGGCGGCCCCCTGGGTCCTGGCCCGAGGCGGAGTTCGGGACCCA[C>A]GAGTCGGACATGGCCTTGGCGCCTACAGCCCCGGCGGCGGCTCCCTGCGCCCGAGCCCGC-3'
Protein context (NP_000126.2, residues 1-14): MSD[Ser4=]WVPNSASGQD